The following is an entry in ClinVar:

ClinVar aggregate classification (germline): Uncertain significance. Review status: criteria provided, multiple submitters, no conflicts (2 of 4 stars). 3 submissions from 3 submitters: Uncertain significance (3). Last evaluated 2025-09-30.

Conditions:
Endometrial carcinoma. Also called: Endometrial carcinoma, somatic. Identifiers: MedGen C0476089, MONDO:0002447, OMIM 608089, HP:0012114.
Hereditary cancer-predisposing syndrome. Also called: Neoplastic Syndromes, Hereditary; Tumor predisposition; Hereditary Cancer Syndrome; Hereditary neoplastic syndrome. Identifiers: Orphanet 140162, MedGen C0027672, MeSH D009386, MONDO:0015356.

Allele frequency attached by ClinVar (database versions not stated): gnomAD exomes below 0.00001; TOPMed 0.00001; ESP Exome Variant Server 0.00008.
gnomAD v4.1: 1 of 1,614,092 alleles (0.000062%); highest among the groups gnomAD compares: Non-Finnish European, 0.000085%; no homozygotes.

Submissions (3):

Labcorp Genetics (formerly Invitae), Labcorp
Classification: Uncertain significance. Last evaluated: 2025-09-30. Review status: criteria provided, single submitter. Criteria: Invitae Variant Classification Sherloc (09022015). Collection method: clinical testing. Allele origin: germline.
Comment: This sequence change replaces leucine, which is neutral and non-polar, with proline, which is neutral and non-polar, at codon 439 of the MSH3 protein (p.Leu439Pro). This variant is not present in population databases (gnomAD no frequency). This variant has not been reported in the literature in individuals affected with MSH3-related conditions. ClinVar contains an entry for this variant (Variation ID: 651652). An algorithm developed to predict the effect of missense changes on protein structure and function (PolyPhen-2) suggests that this variant is likely to be disruptive. In summary, the available evidence is currently insufficient to determine the role of this variant in disease. Therefore, it has been classified as a Variant of Uncertain Significance.

Baylor Genetics
Classification: Uncertain significance for Endometrial carcinoma. Last evaluated: 2024-01-15. Review status: criteria provided, single submitter. Criteria: ACMG Guidelines, 2015. Collection method: clinical testing. Allele origin: unknown.

Ambry Genetics
Classification: Uncertain significance for Hereditary cancer-predisposing syndrome. Last evaluated: 2023-09-02. Review status: criteria provided, single submitter. Criteria: Ambry Variant Classification Scheme 2023. Collection method: clinical testing. Allele origin: germline.
Comment: The p.L439P variant (also known as c.1316T>C), located in coding exon 8 of the MSH3 gene, results from a T to C substitution at nucleotide position 1316. The leucine at codon 439 is replaced by proline, an amino acid with similar properties. This amino acid position is well conserved in available vertebrate species. In addition, this alteration is predicted to be deleterious by in silico analysis. Since supporting evidence is limited at this time, the clinical significance of this alteration remains unclear.

NM_002439.5(MSH3):c.1316T>C (p.Leu439Pro)

Gene: MSH3 (mutS homolog 3; plus strand). Cytogenetic location: 5q14.1.
Variant type: single nucleotide variant.
Coding change: c.1316T>C on transcript NM_002439.5 (MANE Select); coding-DNA position 1316, T replaced by C.
Protein change: p.Leu439Pro; replaces leucine 439 with proline.
Molecular consequence: missense variant.
Genome position (GRCh38, 1-based): chr5:80,679,069, T>C. VCF-style: chr5-80679069-T-C. GRCh37 (hg19) VCF-style: chr5-79974888-T-C.
Other names: short protein forms L439P.
Identifiers: ClinVar variation 651652 (VCV000651652.13), dbSNP rs140465019, ClinGen allele CA121297309.